The following is an entry in ClinVar:

NM_017514.5(PLXNA3):c.5457C>T (p.Ser1819=)

Gene: PLXNA3 (plexin A3; plus strand). Cytogenetic location: Xq28.
Variant type: single nucleotide variant.
Coding change: c.5457C>T on transcript NM_017514.5 (MANE Select); coding-DNA position 5457, C replaced by T.
Protein change: p.Ser1819=; no amino-acid change (serine 1819 retained).
Molecular consequence: synonymous variant.
Genome position (GRCh38, 1-based): chrX:154,471,575, C>T. VCF-style: chrX-154471575-C-T. GRCh37 (hg19) VCF-style: chrX-153699918-C-T.
Identifiers: ClinVar variation 3354127 (VCV003354127.1).
Genomic context (GRCh38, chrX:154,471,575, plus strand): 5'-ATCCATCAGCGACCAGGACATGGATGCCTACCTGGTGGAGCAGTCCCGCCTCCACGCCAG[C>T]GACTTCAGCGTCCTGAGTGCGCTCAACGAGCTGTATTTCTATGTCACCAAGTACCGCCAG-3'
Protein context (NP_059984.3, residues 1809-1829): YLVEQSRLHA[Ser1819=]DFSVLSALNE

ClinVar aggregate classification (germline): Likely benign (0 of 4 stars; one submission).

Conditions:
PLXNA3-related disorder. Also called: PLXNA3-related condition.

gnomAD v4.1: 6 of 1,209,242 alleles (0.0005%); highest among the groups gnomAD compares: South Asian, 0.0018%; no homozygotes.

Submission:

PreventionGenetics, part of Exact Sciences
Classification: Likely benign for PLXNA3-related condition. Last evaluated: 2023-12-14. Review status: no assertion criteria provided. Collection method: clinical testing. Allele origin: germline.
Comment: This variant is classified as likely benign based on ACMG/AMP sequence variant interpretation guidelines (Richards et al. 2015 PMID: 25741868, with internal and published modifications).